The following is an entry in ClinVar:

ClinVar aggregate classification (germline): Likely benign. Review status: criteria provided, multiple submitters, no conflicts (2 of 4 stars). 2 submissions from 2 submitters: Likely benign (2). Last evaluated 2025-03-06.

Conditions:
PLEKHG5-related disorder. Also called: PLEKHG5-related condition.

Allele frequency attached by ClinVar (database versions not stated): 1000 Genomes Project 30x 0.00031; 1000 Genomes Project 0.00040; gnomAD 0.00052 and 0.00056; TOPMed 0.00053; ESP Exome Variant Server 0.00069.
gnomAD v4.1: 157 of 1,605,418 alleles (0.0098%); highest among the groups gnomAD compares: African/African-American, 0.15%; no homozygotes.

Submissions (2):

PreventionGenetics, part of Exact Sciences
Classification: Likely benign for PLEKHG5-related condition. Last evaluated: 2025-03-06. Review status: criteria provided, single submitter. Criteria: ACMG Guidelines, 2015. Collection method: clinical testing. Allele origin: germline.
Comment: This variant is classified as likely benign based on ACMG/AMP sequence variant interpretation guidelines (Richards et al. 2015 PMID: 25741868, with internal and published modifications).

GeneDx
Classification: Likely benign. Last evaluated: 2016-08-12. Review status: criteria provided, single submitter. Criteria: GeneDx Variant Classification (06012015). Collection method: clinical testing. Allele origin: germline. Affected: yes.
Comment: This variant is considered likely benign or benign based on one or more of the following criteria: it is a conservative change, it occurs at a poorly conserved position in the protein, it is predicted to be benign by multiple in silico algorithms, and/or has population frequency not consistent with disease.

NM_020631.6(PLEKHG5):c.-73C>T

Genes: PLEKHG5 (pleckstrin homology and RhoGEF domain containing G5; minus strand), LOC126805598 (MED14-independent group 3 enhancer GRCh37_chr1:6536823-6538022; plus strand). Cytogenetic location: 1p36.31.
Variant type: single nucleotide variant.
Coding change: c.-73C>T on transcript NM_020631.6 (MANE Select); 73 bases upstream of the start codon, C replaced by T.
Molecular consequence: 5 prime UTR variant. On other transcripts: synonymous variant (3).
Genome position (GRCh38, 1-based): chr1:6,477,644, G>A on the plus strand (C>T on the coding strand, the complement: PLEKHG5 is on the minus strand). VCF-style: chr1-6477644-G-A. GRCh37 (hg19) VCF-style: chr1-6537704-G-A.
Other names: c.39C>T, p.Ala13= (NM_001042663.3, NM_001265592.2); c.-73C>T (NM_001042664.2, NM_001042665.2, NM_001265594.3 and 1 more transcripts); c.135C>T, p.Ala45= (NM_001265593.2); c.165C>T (NM_001265592.1).
Identifiers: ClinVar variation 388573 (VCV000388573.2), dbSNP rs189176513, ClinGen allele CA562065.